The following is an entry in ClinVar:

NM_018192.4(P3H2):c.775G>A (p.Glu259Lys)

Gene: P3H2 (prolyl 3-hydroxylase 2; minus strand). Cytogenetic location: 3q28.
Variant type: single nucleotide variant.
Coding change: c.775G>A on transcript NM_018192.4 (MANE Select); coding-DNA position 775, G replaced by A.
Protein change: p.Glu259Lys; replaces glutamic acid 259 with lysine.
Molecular consequence: missense variant.
Genome position (GRCh38, 1-based): chr3:189,994,142, C>T on the plus strand (G>A on the coding strand, the complement: P3H2 is on the minus strand). VCF-style: chr3-189994142-C-T. GRCh37 (hg19) VCF-style: chr3-189711931-C-T.
Other names: c.232G>A, p.Glu78Lys (NM_001134418.2); short protein forms E78K, E259K.
Identifiers: ClinVar variation 1951745 (VCV001951745.3), dbSNP rs1177013647, ClinGen allele CA355759342.
Genomic context (GRCh38, chr3:189,994,142, plus strand): 5'-TTAAGCTTTTACCTGCAATAGCTTCATACAGACCAGCCTTATACCCTAAATACTCATATT[C>T]TTCAAATCTCTGAGGCCCCTCACATAGGGTCCGGCATTCTGTATCTTCAACGAAATATTC-3'
Protein context (NP_060662.2, residues 249-269): TLCEGPQRFE[Glu259Lys]YEYLGYKAGL

ClinVar aggregate classification (germline): Uncertain significance. Review status: criteria provided, multiple submitters, no conflicts (2 of 4 stars). 2 submissions from 2 submitters: Uncertain significance (2). Last evaluated 2022-06-22.

gnomAD v4.1: 1 of 1,613,690 alleles (0.000062%); no homozygotes.

Submissions (2):

Labcorp Genetics (formerly Invitae), Labcorp
Classification: Uncertain significance. Last evaluated: 2022-06-22. Review status: criteria provided, single submitter. Criteria: Invitae Variant Classification Sherloc (09022015). Collection method: clinical testing. Allele origin: germline.
Comment: This sequence change replaces glutamic acid, which is acidic and polar, with lysine, which is basic and polar, at codon 259 of the P3H2 protein (p.Glu259Lys). This variant is present in population databases (no rsID available, gnomAD no frequency). This variant has not been reported in the literature in individuals affected with P3H2-related conditions. Algorithms developed to predict the effect of missense changes on protein structure and function are either unavailable or do not agree on the potential impact of this missense change (SIFT: "Tolerated"; PolyPhen-2: "Possibly Damaging"; Align-GVGD: "Class C0"). In summary, the available evidence is currently insufficient to determine the role of this variant in disease. Therefore, it has been classified as a Variant of Uncertain Significance.

Blueprint Genetics
Classification: Uncertain significance. Last evaluated: 2021-01-12. Review status: criteria provided, single submitter. Criteria: ACMG Guidelines, 2015. Collection method: clinical testing. Allele origin: germline.